The following is an entry in ClinVar:

NM_022089.4(ATP13A2):c.1423G>A (p.Ala475Thr)

Gene: ATP13A2 (ATPase cation transporting 13A2; minus strand). Cytogenetic location: 1p36.13.
Variant type: single nucleotide variant.
Coding change: c.1423G>A on transcript NM_022089.4 (MANE Select); coding-DNA position 1423, G replaced by A.
Protein change: p.Ala475Thr; replaces alanine 475 with threonine.
Molecular consequence: missense variant.
Genome position (GRCh38, 1-based): chr1:16,996,095, C>T on the plus strand (G>A on the coding strand, the complement: ATP13A2 is on the minus strand). VCF-style: chr1-16996095-C-T. GRCh37 (hg19) VCF-style: chr1-17322590-C-T.
Other names: c.1408G>A, p.Ala470Thr (NM_001141973.3, NM_001141974.3); short protein forms A475T, A470T.
Identifiers: ClinVar variation 1772315 (VCV001772315.2), dbSNP rs2523602864, ClinGen allele CA338252498.

ClinVar aggregate classification (germline): Uncertain significance (1 of 4 stars; one submission).

Conditions:
Inborn genetic diseases. Identifiers: MedGen C0950123, MeSH D030342.

Submission:

Ambry Genetics
Classification: Uncertain significance for Inborn genetic diseases. Last evaluated: 2018-02-19. Review status: criteria provided, single submitter. Criteria: Ambry Variant Classification Scheme 2023. Collection method: clinical testing. Allele origin: germline.
Comment: The p.A475T variant (also known as c.1423G>A), located in coding exon 15 of the ATP13A2 gene, results from a G to A substitution at nucleotide position 1423. The alanine at codon 475 is replaced by threonine, an amino acid with similar properties. This amino acid position is highly conserved in available vertebrate species. In addition, this alteration is predicted to be deleterious by in silico analysis. Since supporting evidence is limited at this time, the clinical significance of this alteration remains unclear.